The following is an entry in ClinVar:

ClinVar aggregate classification (germline): Pathogenic (1 of 4 stars; one submission).

Conditions:
VPS13A-related neurodegenerative disease. Also called: ACANTHOCYTOSIS WITH NEUROLOGIC DISORDER; LEVINE-CRITCHLEY SYNDROME; Choreoacanthocytosis; Chorea-acanthocytosis; Choreaacanthocytosis; VPS13A Disease. Identifiers: Orphanet 2388, MedGen C0393576, MONDO:0008695, OMIM 200150.

Submission:

Myriad Genetics, Inc.
Classification: Pathogenic for VPS13A-related neurodegenerative disease. Last evaluated: 2024-05-14. Review status: criteria provided, single submitter. Criteria: Myriad Autosomal Dominant, Autosomal Recessive and X-Linked Classification Criteria (2023). Collection method: clinical testing. Allele origin: unknown.
Comment: NM_033305.2(VPS13A):c.4835delC(P1612Qfs*30) is expected to be pathogenic in the context of VPS13A disease. This variant is predicted to lead to an abnormal or absent protein product due to the creation of a premature termination codon in VPS13A, a gene where loss-of-function variants are known to be pathogenic. Please note: this variant was assessed in the context of healthy population screening.

NM_033305.3(VPS13A):c.4835del (p.Pro1612fs)

Gene: VPS13A (vacuolar protein sorting 13 homolog A; plus strand). Cytogenetic location: 9q21.2.
Variant type: Deletion.
Coding change: c.4835del on transcript NM_033305.3 (MANE Select); coding-DNA position 4835, one base deleted (C; older notation c.4835delC).
Protein change: p.Pro1612fs; shifts the reading frame from proline 1612.
Molecular consequence: frameshift variant.
Genome position (GRCh38, 1-based): chr9:77,316,378, C deleted; the last of 2 consecutive C bases (chr9:77,316,377-77,316,378); deleting either gives the same sequence. VCF-style (leftmost placement, unchanged base first): chr9-77316376-TC-T. GRCh37 (hg19) VCF-style: chr9-79931292-TC-T.
Other names: c.4718del, p.Pro1573fs (NM_001018037.2); c.4835del, p.Pro1612fs (NM_001018038.3, NM_015186.4); short protein forms P1573fs, P1612fs.
Identifiers: ClinVar variation 5011651 (VCV005011651.1).